The following is an entry in ClinVar:

NM_001298.3(CNGA3):c.775A>C (p.Thr259Pro)

Gene: CNGA3 (cyclic nucleotide gated channel subunit alpha 3; plus strand). Cytogenetic location: 2q11.2.
Variant type: single nucleotide variant.
Coding change: c.775A>C on transcript NM_001298.3 (MANE Select); coding-DNA position 775, A replaced by C.
Protein change: p.Thr259Pro; replaces threonine 259 with proline.
Molecular consequence: missense variant.
Genome position (GRCh38, 1-based): chr2:98,395,945, A>C. VCF-style: chr2-98395945-A-C. GRCh37 (hg19) VCF-style: chr2-99012408-A-C.
Other names: c.721A>C, p.Thr241Pro (NM_001079878.2); short protein forms T241P, T259P.
Identifiers: ClinVar variation 1715941 (VCV001715941.5), dbSNP rs1191742974, ClinGen allele CA347832123.

ClinVar aggregate classification (germline): Uncertain significance (1 of 4 stars; one submission).

Submission:

Labcorp Genetics (formerly Invitae), Labcorp
Classification: Uncertain significance. Last evaluated: 2022-08-09. Review status: criteria provided, single submitter. Criteria: Invitae Variant Classification Sherloc (09022015). Collection method: clinical testing. Allele origin: germline.
Comment: This variant is not present in population databases (gnomAD no frequency). This variant has not been reported in the literature in individuals affected with CNGA3-related conditions. Advanced modeling of protein sequence and biophysical properties (such as structural, functional, and spatial information, amino acid conservation, physicochemical variation, residue mobility, and thermodynamic stability) performed at Invitae indicates that this missense variant is expected to disrupt CNGA3 protein function. In summary, the available evidence is currently insufficient to determine the role of this variant in disease. Therefore, it has been classified as a Variant of Uncertain Significance. This sequence change replaces threonine, which is neutral and polar, with proline, which is neutral and non-polar, at codon 259 of the CNGA3 protein (p.Thr259Pro).